The following is an entry in ClinVar:

NM_001009944.3(PKD1):c.7061A>C (p.Gln2354Pro)

Gene: PKD1 (polycystin 1, transient receptor potential channel interacting; minus strand). Cytogenetic location: 16p13.3.
Variant type: single nucleotide variant.
Coding change: c.7061A>C on transcript NM_001009944.3 (MANE Select); coding-DNA position 7061, A replaced by C.
Protein change: p.Gln2354Pro; replaces glutamine 2354 with proline.
Molecular consequence: missense variant.
Genome position (GRCh38, 1-based): chr16:2,107,887, T>G on the plus strand (A>C on the coding strand, the complement: PKD1 is on the minus strand). VCF-style: chr16-2107887-T-G. GRCh37 (hg19) VCF-style: chr16-2157888-T-G.
Other names: c.7061A>C, p.Gln2354Pro (NM_000296.4); short protein forms Q2354P.
Identifiers: ClinVar variation 1033194 (VCV001033194.3), dbSNP rs2092400132, ClinGen allele CA394372321.

ClinVar aggregate classification (germline): Uncertain significance. Review status: criteria provided, multiple submitters, no conflicts (2 of 4 stars). 2 submissions from 2 submitters: Uncertain significance (2). Last evaluated 2021-09-03.

Conditions:
Polycystic kidney disease, adult type (PKD1). Also called: POLYCYSTIC KIDNEY DISEASE 1 WITH OR WITHOUT POLYCYSTIC LIVER DISEASE; POLYCYSTIC KIDNEY DISEASE, ADULT, TYPE I; Polycystic Kidney Disease 1, Autosomal Dominant; Polycystic kidney disease 1; Polycystic kidney disease 1, severe; Polycystic Kidney, Autosomal Dominant. Identifiers: MedGen C3149841, MONDO:0008263, OMIM 173900.

Submissions (2):

GeneDx
Classification: Uncertain significance. Last evaluated: 2021-09-03. Review status: criteria provided, single submitter. Criteria: GeneDx Variant Classification Process June 2021. Collection method: clinical testing. Allele origin: germline. Affected: yes.
Comment: Observed in a patient with cystic kidneys in cis with a second PKD1 variant, both inherited from their parent with ADPKD, and co-occurred with a PRKD1 variant inherited from their unaffected parent (Bekheirnia et al., 2021); Not observed at significant frequency in large population cohorts (Lek et al., 2016); In silico analysis supports that this missense variant has a deleterious effect on protein structure/function; This variant is associated with the following publications: (PMID: Bekheirnia2021[article])

Baylor Genetics
Classification: Uncertain significance for Polycystic kidney disease, adult type. Last evaluated: 2018-07-29. Review status: criteria provided, single submitter. Criteria: ACMG Guidelines, 2015. Collection method: clinical testing. Allele origin: paternal. Affected: yes.
Comment: This variant was determined to be of uncertain significance according to ACMG Guidelines, 2015 [PMID:25741868].